The following is an entry in ClinVar:

NM_003072.5(SMARCA4):c.4152G>A (p.Thr1384=)

Gene: SMARCA4 (SWI/SNF related BAF chromatin remodeling complex subunit ATPase 4; plus strand). Cytogenetic location: 19p13.2.
Variant type: single nucleotide variant.
Coding change: c.4152G>A on transcript NM_003072.5 (MANE Select); coding-DNA position 4152, G replaced by A.
Protein change: p.Thr1384=; no amino-acid change (threonine 1384 retained).
Molecular consequence: synonymous variant. On other transcripts: non-coding transcript variant (1).
Genome position (GRCh38, 1-based): chr19:11,035,114, G>A. VCF-style: chr19-11035114-G-A. GRCh37 (hg19) VCF-style: chr19-11145790-G-A.
Other names: c.4152G>A, p.Thr1384= (NM_001128844.3, NM_001128849.3, NM_001387283.1); c.4053G>A, p.Thr1351= (NM_001128845.2, NM_001128846.2, NM_001128847.4 and 2 more transcripts).
Identifiers: ClinVar variation 212255 (VCV000212255.29), dbSNP rs372620534, ClinGen allele CA209136.
Genomic context (GRCh38, chr19:11,035,114, plus strand): 5'-GAAGATGTTCGGCCGTGGCTCCCGCCACCGCAAGGAGGTGGACTACAGCGACTCACTGAC[G>A]GAGAAGCAGTGGCTCAAGGTACATGCTGGAGAGGCCCAGCAGCTGCCGCAGGCCAGCGCC-3'
Protein context (NP_003063.2, residues 1374-1394): RKEVDYSDSL[Thr1384=]EKQWLKAIEE

ClinVar aggregate classification (germline): Conflicting classifications of pathogenicity. Review status: criteria provided, conflicting classifications (1 of 4 stars). 10 submissions from 10 submitters: Uncertain significance (1); Benign (3); Likely benign (6). Last evaluated 2026-09-25.

Conditions:
Intellectual disability, autosomal dominant 16 (CSS4). Also called: COFFIN-SIRIS SYNDROME 4. Identifiers: Orphanet 1465, MedGen C3553249, MONDO:0013821, OMIM 614609.
Rhabdoid tumor predisposition syndrome 2 (RTPS2). Identifiers: Orphanet 231108, Orphanet 69077, MedGen C2750074, MONDO:0013224, OMIM 613325.
SMARCA4-related disorder. Also called: SMARCA4-related condition.
Coffin-Siris syndrome. Identifiers: Orphanet 1465, MedGen C0265338, MONDO:0015452.
Hereditary cancer-predisposing syndrome. Also called: Neoplastic Syndromes, Hereditary; Tumor predisposition; Hereditary Cancer Syndrome; Hereditary neoplastic syndrome. Identifiers: Orphanet 140162, MedGen C0027672, MeSH D009386, MONDO:0015356.

Allele frequency attached by ClinVar (database versions not stated): ExAC 0.00019; gnomAD 0.00001 and 0.00003; TOPMed 0.00003; ESP Exome Variant Server 0.00008; 1000 Genomes Project 30x 0.00016; gnomAD exomes 0.00018; 1000 Genomes Project 0.00020.
gnomAD v4.1: 97 of 1,612,526 alleles (0.006%); highest among the groups gnomAD compares: South Asian, 0.087%; 1 homozygote.

Submissions (10):

PreventionGenetics, part of Exact Sciences
Classification: Likely benign for SMARCA4-related condition. Last evaluated: 2026-09-25. Review status: criteria provided, single submitter. Criteria: ACMG Guidelines, 2015. Collection method: clinical testing. Allele origin: germline.
Comment: This variant is classified as likely benign based on ACMG/AMP sequence variant interpretation guidelines (Richards et al. 2015 PMID: 25741868, with internal and published modifications).

Myriad Genetics, Inc.
Classification: Benign for Rhabdoid tumor predisposition syndrome 2. Last evaluated: 2026-07-16. Review status: criteria provided, single submitter. Criteria: Myriad Autosomal Dominant, Autosomal Recessive and X-Linked Classification Criteria (2023). Collection method: clinical testing. Allele origin: unknown.
Comment: This variant is considered benign. This variant is a silent/synonymous amino acid change and it is not expected to impact splicing.

Labcorp Genetics (formerly Invitae), Labcorp
Classification: Benign for Rhabdoid tumor predisposition syndrome 2. Last evaluated: 2025-11-10. Review status: criteria provided, single submitter. Criteria: Invitae Variant Classification Sherloc (09022015). Collection method: clinical testing. Allele origin: germline.

Blueprint Genetics
Classification: Likely benign. Last evaluated: 2024-10-08. Review status: criteria provided, single submitter. Criteria: ACMG Guidelines, 2015. Collection method: clinical testing. Allele origin: germline.

Sema4
Classification: Likely benign for Hereditary cancer-predisposing syndrome. Last evaluated: 2022-01-13. Review status: criteria provided, single submitter. Criteria: Sema4 Curation Guidelines. Collection method: curation. Allele origin: germline.

Genome-Nilou Lab
Classification: Likely benign for Intellectual disability, autosomal dominant 16. Last evaluated: 2021-07-15. Review status: criteria provided, single submitter. Criteria: ACMG Guidelines, 2015. Collection method: clinical testing. Allele origin: germline. Affected: no.

GeneDx
Classification: Likely benign. Last evaluated: 2020-12-28. Review status: criteria provided, single submitter. Criteria: GeneDx Variant Classification Process June 2021. Collection method: clinical testing. Allele origin: germline. Affected: yes.

Illumina Laboratory Services, Illumina
Classification: Benign for Coffin-Siris syndrome. Last evaluated: 2018-01-13. Review status: criteria provided, single submitter. Criteria: ICSL Variant Classification Criteria 13 December 2019. Collection method: clinical testing. Allele origin: germline.
Comment: This variant was observed in the ICSL laboratory as part of a predisposition screen in an ostensibly healthy population. It had not been previously curated by ICSL or reported in the Human Gene Mutation Database (HGMD: prior to June 1st, 2018), and was therefore a candidate for classification through an automated scoring system. Utilizing variant allele frequency, disease prevalence and penetrance estimates, and inheritance mode, an automated score was calculated to assess if this variant is too frequent to cause the disease. Based on the score and internal cut-off values, a variant classified as benign is not then subjected to further curation. The score for this variant resulted in a classification of benign for this disease.

Ambry Genetics
Classification: Likely benign for Hereditary cancer-predisposing syndrome. Last evaluated: 2016-03-07. Review status: criteria provided, single submitter. Criteria: Ambry Variant Classification Scheme 2023. Collection method: clinical testing. Allele origin: germline.

Genetic Services Laboratory, University of Chicago
Classification: Uncertain significance. Last evaluated: 2015-07-17. Review status: criteria provided, single submitter. Criteria: ACMG Guidelines, 2015. Collection method: clinical testing. Allele origin: germline.